The following is an entry in ClinVar:

ClinVar aggregate classification (germline): Pathogenic (1 of 4 stars; one submission).

Conditions:
Melnick-Needles syndrome (MNS). Also called: MELNICK-NEEDLES OSTEODYSPLASTY; Melnick-Needles Syndrome (FLNA-MNS); OSTEODYSPLASTY OF MELNICK AND NEEDLES. Identifiers: Orphanet 2484, MedGen C0025237, MONDO:0010650, OMIM 309350.
Frontometaphyseal dysplasia (FMD1). Identifiers: Orphanet 1826, MedGen C0265293, MONDO:0015942.
Heterotopia, periventricular, X-linked dominant (PVNH1). Also called: PERIVENTRICULAR NODULAR HETEROTOPIA 1; X-linked periventricular heterotopia; PERIVENTRICULAR NODULAR HETEROTOPIA 4; HETEROTOPIA, PERIVENTRICULAR, 1. Identifiers: Orphanet 2149, Orphanet 82004, MedGen C1848213, MONDO:0010233, OMIM 300049.
Oto-palato-digital syndrome, type II (OPD2). Also called: FACIOPALATOOSSEOUS SYNDROME; Otopalatodigital Syndrome Type 2 (FLNA-OPD2); OPD II SYNDROME; Otopalatodigital Syndrome, Type II. Identifiers: Orphanet 669, Orphanet 90652, MedGen C1844696, MONDO:0010571, OMIM 304120.

Submission:

Labcorp Genetics (formerly Invitae), Labcorp
Classification: Pathogenic for Oto-palato-digital syndrome, type II; Heterotopia, periventricular, X-linked dominant; Frontometaphyseal dysplasia; Melnick-Needles syndrome. Last evaluated: 2021-08-04. Review status: criteria provided, single submitter. Criteria: Invitae Variant Classification Sherloc (09022015). Collection method: clinical testing. Allele origin: germline.
Comment: For these reasons, this variant has been classified as Pathogenic. This variant has not been reported in the literature in individuals affected with FLNA-related conditions. This variant is not present in population databases (ExAC no frequency). This sequence change creates a premature translational stop signal (p.Asp988Alafs*39) in the FLNA gene. It is expected to result in an absent or disrupted protein product. Loss-of-function variants in FLNA are known to be pathogenic (PMID: 16684786, 20730588, 26471271).

Literature cited by the submitters: PubMed 16684786; PubMed 20730588; PubMed 26471271.

NM_001110556.2(FLNA):c.2963_2964del (p.Asp988fs)

Gene: FLNA (filamin A; minus strand). Cytogenetic location: Xq28.
Variant type: Deletion.
Coding change: c.2963_2964del on transcript NM_001110556.2 (MANE Select); coding-DNA positions 2963 to 2964, 2 bases deleted (AC; older notation c.2963_2964delAC).
Protein change: p.Asp988fs; shifts the reading frame from aspartic acid 988.
Molecular consequence: frameshift variant.
Genome position (GRCh38, 1-based): chrX:154,361,551-154,361,552, GT deleted on the plus strand (AC on the coding strand, the reverse complement: FLNA is on the minus strand). VCF-style (leftmost placement, unchanged base first): chrX-154361550-GGT-G. GRCh37 (hg19) VCF-style: chrX-153589918-GGT-G.
Other names: c.2963_2964del, p.Asp988fs (NM_001456.4); short protein forms D988fs.
Identifiers: ClinVar variation 1452088 (VCV001452088.6), dbSNP rs2148113604, ClinGen allele CA2573159432.